The following is an entry in ClinVar:

NM_144666.3(DNHD1):c.9802dup (p.Thr3268fs)

Gene: DNHD1 (dynein heavy chain domain 1; plus strand). Cytogenetic location: 11p15.4.
Variant type: Duplication.
Coding change: c.9802dup on transcript NM_144666.3 (MANE Select); coding-DNA position 9802, one base duplicated (A; older notation c.9802dupA).
Protein change: p.Thr3268fs; shifts the reading frame from threonine 3268.
Molecular consequence: frameshift variant.
Genome position (GRCh38, 1-based): chr11:6,563,514, A duplicated; the last of 3 consecutive A bases (chr11:6,563,512-6,563,514); duplicating any one gives the same sequence. VCF-style (leftmost placement, unchanged base first): chr11-6563511-G-GA. GRCh37 (hg19) VCF-style: chr11-6584741-G-GA.
Other names: short protein forms T3268fs.
Identifiers: ClinVar variation 3342815 (VCV003342815.1).

ClinVar aggregate classification (germline): Uncertain significance (1 of 4 stars; one submission).

Submission:

GeneDx
Classification: Uncertain significance. Last evaluated: 2023-02-10. Review status: criteria provided, single submitter. Criteria: GeneDx Variant Classification Process June 2021. Collection method: clinical testing. Allele origin: germline. Affected: yes.
Comment: Not observed at significant frequency in large population cohorts (gnomAD); Frameshift variant predicted to result in protein truncation or nonsense mediated decay in a gene or region of a gene for which loss of function is not a well-established mechanism of disease; Has not been previously published as pathogenic or benign to our knowledge; Variants in candidate genes are classified as variants of uncertain significance in accordance with ACMG guidelines (Richards et al., 2015)